The following is an entry in ClinVar:

ClinVar aggregate classification (germline): Uncertain significance (1 of 4 stars; one submission).

Conditions:
Aortic aneurysm, familial thoracic 8 (AAT8). Identifiers: MedGen C3809513, MONDO:0014187, OMIM 615436.

Allele frequency attached by ClinVar (database versions not stated): TOPMed below 0.00001; gnomAD 0.00001.
gnomAD v4.1: 5 of 1,612,534 alleles (0.00031%); highest among the groups gnomAD compares: Middle Eastern, 0.016%; no homozygotes.

Submission:

Labcorp Genetics (formerly Invitae), Labcorp
Classification: Uncertain significance for Aortic aneurysm, familial thoracic 8. Last evaluated: 2021-09-21. Review status: criteria provided, single submitter. Criteria: Invitae Variant Classification Sherloc (09022015). Collection method: clinical testing. Allele origin: germline.
Comment: In summary, the available evidence is currently insufficient to determine the role of this variant in disease. Therefore, it has been classified as a Variant of Uncertain Significance. Algorithms developed to predict the effect of missense changes on protein structure and function are either unavailable or do not agree on the potential impact of this missense change (SIFT: "Deleterious"; PolyPhen-2: "Probably Damaging"; Align-GVGD: "Class C0"). This variant has not been reported in the literature in individuals affected with PRKG1-related conditions. This variant is not present in population databases (ExAC no frequency). This sequence change replaces threonine with methionine at codon 401 of the PRKG1 protein (p.Thr401Met). The threonine residue is highly conserved and there is a moderate physicochemical difference between threonine and methionine.

NM_006258.4(PRKG1):c.1202C>T (p.Thr401Met)

Gene: PRKG1 (protein kinase cGMP-dependent 1; plus strand). Cytogenetic location: 10q21.1.
Variant type: single nucleotide variant.
Coding change: c.1202C>T on transcript NM_006258.4 (MANE Select); coding-DNA position 1202, C replaced by T.
Protein change: p.Thr401Met; replaces threonine 401 with methionine.
Molecular consequence: missense variant. On other transcripts: 5 prime UTR variant (1).
Genome position (GRCh38, 1-based): chr10:52,271,378, C>T. VCF-style: chr10-52271378-C-T. GRCh37 (hg19) VCF-style: chr10-54031138-C-T.
Other names: c.1157C>T, p.Thr386Met (NM_001098512.3); c.-8C>T (NM_001374781.1); short protein forms T386M, T401M.
Identifiers: ClinVar variation 1371406 (VCV001371406.6), dbSNP rs1841726796, ClinGen allele CA376535226.